The following is an entry in ClinVar:

ClinVar aggregate classification (germline): Uncertain significance (1 of 4 stars; one submission).

Submission:

Ambry Genetics
Classification: Uncertain significance. Last evaluated: 2024-03-23. Review status: criteria provided, single submitter. Criteria: Ambry Variant Classification Scheme 2023. Collection method: clinical testing. Allele origin: germline.
Comment: The p.F1102S variant (also known as c.3305T>C), located in coding exon 2 of the MLH3 gene, results from a T to C substitution at nucleotide position 3305. The phenylalanine at codon 1102 is replaced by serine, an amino acid with highly dissimilar properties. This amino acid position is conserved. In addition, this alteration is predicted to be deleterious by in silico analysis. Based on the available evidence, the clinical significance of this alteration remains unclear.

NM_001040108.2(MLH3):c.3305T>C (p.Phe1102Ser)

Gene: MLH3 (mutL homolog 3; minus strand). Cytogenetic location: 14q24.3.
Variant type: single nucleotide variant.
Coding change: c.3305T>C on transcript NM_001040108.2 (MANE Select); coding-DNA position 3305, T replaced by C.
Protein change: p.Phe1102Ser; replaces phenylalanine 1102 with serine.
Molecular consequence: missense variant.
Genome position (GRCh38, 1-based): chr14:75,042,453, A>G on the plus strand (T>C on the coding strand, the complement: MLH3 is on the minus strand). VCF-style: chr14-75042453-A-G. GRCh37 (hg19) VCF-style: chr14-75509156-A-G.
Other names: c.3305T>C, p.Phe1102Ser (NM_014381.3); short protein forms F1102S.
Identifiers: ClinVar variation 3295094 (VCV003295094.1).
Genomic context (GRCh38, chr14:75,042,453, plus strand): 5'-CTCATCACAGTCCTCTCTGCTCGAGCTCTCGGAAGGAAAGGAAGAACAAGGTCGCTTCTA[A>G]AAGGTTGACACCTGTACTGAGACCCTAAATATAAGAAAGAAAAACCTAGAAATGTGAACT-3'
Protein context (NP_001035197.1, residues 1092-1112): ENGSQYRCQP[Phe1102Ser]RSDLVLPFLP